The following is an entry in ClinVar:

ClinVar aggregate classification (germline): Uncertain significance (1 of 4 stars; one submission).

Submission:

Labcorp Genetics (formerly Invitae), Labcorp
Classification: Uncertain significance. Last evaluated: 2025-01-02. Review status: criteria provided, single submitter. Criteria: Invitae Variant Classification Sherloc (09022015). Collection method: clinical testing. Allele origin: germline.
Comment: This sequence change replaces alanine, which is neutral and non-polar, with glutamic acid, which is acidic and polar, at codon 1076 of the MSH3 protein (p.Ala1076Glu). This variant is not present in population databases (gnomAD no frequency). This variant has not been reported in the literature in individuals affected with MSH3-related conditions. An algorithm developed to predict the effect of missense changes on protein structure and function (PolyPhen-2) suggests that this variant is likely to be disruptive. In summary, the available evidence is currently insufficient to determine the role of this variant in disease. Therefore, it has been classified as a Variant of Uncertain Significance.

NM_002439.5(MSH3):c.3227C>A (p.Ala1076Glu)

Gene: MSH3 (mutS homolog 3; plus strand). Cytogenetic location: 5q14.1.
Variant type: single nucleotide variant.
Coding change: c.3227C>A on transcript NM_002439.5 (MANE Select); coding-DNA position 3227, C replaced by A.
Protein change: p.Ala1076Glu; replaces alanine 1076 with glutamic acid.
Molecular consequence: missense variant.
Genome position (GRCh38, 1-based): chr5:80,873,212, C>A. VCF-style: chr5-80873212-C-A. GRCh37 (hg19) VCF-style: chr5-80169031-C-A.
Other names: short protein forms A1076E.
Identifiers: ClinVar variation 3728456 (VCV003728456.2).
Genomic context (GRCh38, chr5:80,873,212, plus strand): 5'-TTTACCAAATAACTAGAGGAATTGCAGCAAGGAGTTATGGATTAAATGTGGCTAAACTAG[C>A]AGATGTTCCTGGAGAAATTTTGAAGAAAGCAGCTCACAAGTCAAAAGAGCTGGAAGGATT-3'
Protein context (NP_002430.3, residues 1066-1086): RSYGLNVAKL[Ala1076Glu]DVPGEILKKA